The following is an entry in ClinVar:

ClinVar aggregate classification (germline): Pathogenic/Likely pathogenic. Review status: criteria provided, multiple submitters, no conflicts (2 of 4 stars). 3 submissions from 3 submitters: Pathogenic (2); Likely pathogenic (1). Last evaluated 2026-01-15.

Conditions:
Intellectual developmental disorder with microcephaly and with or without ocular malformations or hypogonadotropic hypogonadism. Also called: Intellectual disability, autosomal dominant 27; Coffin-Siris Syndrome 9. Identifiers: Orphanet 1465, MedGen C4014528, MONDO:0014376, OMIM 615866.

Submissions (3):

Labcorp Genetics (formerly Invitae), Labcorp
Classification: Pathogenic. Last evaluated: 2026-01-15. Review status: criteria provided, single submitter. Criteria: Invitae Variant Classification Sherloc (09022015). Collection method: clinical testing. Allele origin: germline.
Comment: This sequence change replaces arginine, which is basic and polar, with glutamine, which is neutral and polar, at codon 51 of the SOX11 protein (p.Arg51Gln). This variant is not present in population databases (gnomAD no frequency). This missense change has been observed in individual(s) with clinical features of Coffin-Siris syndrome (PMID: 35801292; internal data). In at least one individual the variant was observed to be de novo. ClinVar contains an entry for this variant (Variation ID: 1067260). Invitae Evidence Modeling of protein sequence and biophysical properties (such as structural, functional, and spatial information, amino acid conservation, physicochemical variation, residue mobility, and thermodynamic stability) indicates that this missense variant is expected to disrupt SOX11 protein function with a positive predictive value of 95%. For these reasons, this variant has been classified as Pathogenic.

3billion
Classification: Pathogenic for Intellectual developmental disorder with microcephaly and with or without ocular malformations or hypogonadotropic hypogonadism. Last evaluated: 2025-09-08. Review status: criteria provided, single submitter. Criteria: ACMG Guidelines, 2015. Collection method: clinical testing. Allele origin: germline. Affected: yes.
Comment: The variant is not observed in the gnomAD v4.1.0 dataset. Predicted Consequence/Location: The variant is located in a mutational hot spot and/or well-established functional domain in which established pathogenic variants have been reported. In silico tool predictions suggest damaging effect of the variant on gene or gene product [REVEL: 0.96 (>=0.6, sensitivity 0.68 and specificity 0.92); 3Cnet: 0.98 (> 0.75, sensitivity 0.96 and precision 0.92)]. The same nucleotide change resulting in the same amino acid change has been previously reported as pathogenic/likely pathogenic with strong evidence (ClinVar ID: VCV001067260). Different missense changes at the same codon (p.Arg51Gly, p.Arg51Leu, p.Arg51Pro, p.Arg51Trp) have been reported as pathogenic/likely pathogenic with strong evidence (ClinVar ID: VCV001493563, VCV002443008, VCV002443031, VCV003764728 /PMID: 35341651). Therefore, this variant is classified as Pathogenic according to the recommendation of ACMG/AMP guideline.

SIB Swiss Institute of Bioinformatics
Classification: Likely pathogenic for Intellectual developmental disorder with microcephaly and with or without ocular malformations or hypogonadotropic hypogonadism. Last evaluated: 2023-03-09. Review status: criteria provided, single submitter. Criteria: ACMG Guidelines, 2015. Collection method: curation. Allele origin: unknown.
Comment: This variant is interpreted as likely pathogenic for Intellectual developmental disorder with microcephaly and with or without ocular malformations or hypogonadotropic hypogonadism, autosomal dominant. The following ACMG Tag(s) were applied: Absent from controls (or at extremely low frequency if recessive) in Exome Sequencing Project, 1000 Genomes Project, or Exome Aggregation Consortium (PM2); Located in a mutational hot spot and/or critical and well-established functional domain (e.g., active site of an enzyme) without benign variation (PM1); Multiple lines of computational evidence support a deleterious effect on the gene or gene product (PP3); Novel missense change at an amino acid residue where a different missense change determined to be pathogenic has been seen before (PM5).

Literature cited by the submitters: PubMed 35801292 (cited by Labcorp Genetics (formerly Invitae), Labcorp); PubMed 35341651 (cited by 3billion and SIB Swiss Institute of Bioinformatics).

NM_003108.4(SOX11):c.152G>A (p.Arg51Gln)

Gene: SOX11 (SRY-box transcription factor 11; plus strand). Cytogenetic location: 2p25.2.
Variant type: single nucleotide variant.
Coding change: c.152G>A on transcript NM_003108.4 (MANE Select); coding-DNA position 152, G replaced by A.
Protein change: p.Arg51Gln; replaces arginine 51 with glutamine.
Molecular consequence: missense variant.
Genome position (GRCh38, 1-based): chr2:5,692,873, G>A. VCF-style: chr2-5692873-G-A. GRCh37 (hg19) VCF-style: chr2-5833005-G-A.
Other names: short protein forms R51Q.
Identifiers: ClinVar variation 1067260 (VCV001067260.10), dbSNP rs2103276330, ClinGen allele CA345866052.